The following is an entry in ClinVar:

ClinVar aggregate classification (germline): Uncertain significance (1 of 4 stars; one submission).

Conditions:
Nephronophthisis 15 (NPHP15). Identifiers: Orphanet 3156, MedGen C3541853, MONDO:0013917, OMIM 614845.

Allele frequency attached by ClinVar (database versions not stated): TOPMed below 0.00001; gnomAD 0.00001; gnomAD exomes 0.00001.
gnomAD v4.1: 14 of 1,607,742 alleles (0.00087%); highest among the groups gnomAD compares: Non-Finnish European, 0.0012%; no homozygotes.

Submission:

Labcorp Genetics (formerly Invitae), Labcorp
Classification: Uncertain significance for Nephronophthisis 15. Last evaluated: 2022-07-19. Review status: criteria provided, single submitter. Criteria: Invitae Variant Classification Sherloc (09022015). Collection method: clinical testing. Allele origin: germline.
Comment: In summary, the available evidence is currently insufficient to determine the role of this variant in disease. Therefore, it has been classified as a Variant of Uncertain Significance. Algorithms developed to predict the effect of missense changes on protein structure and function output the following: SIFT: "Tolerated"; PolyPhen-2: "Benign"; Align-GVGD: "Class C0". The threonine amino acid residue is found in multiple mammalian species, which suggests that this missense change does not adversely affect protein function. ClinVar contains an entry for this variant (Variation ID: 846799). This variant has not been reported in the literature in individuals affected with CEP164-related conditions. This variant is present in population databases (no rsID available, gnomAD 0.01%). This sequence change replaces alanine, which is neutral and non-polar, with threonine, which is neutral and polar, at codon 382 of the CEP164 protein (p.Ala382Thr).

NM_014956.5(CEP164):c.1144G>A (p.Ala382Thr)

Gene: CEP164 (centrosomal protein 164; plus strand). Cytogenetic location: 11q23.3.
Variant type: single nucleotide variant.
Coding change: c.1144G>A on transcript NM_014956.5 (MANE Select); coding-DNA position 1144, G replaced by A.
Protein change: p.Ala382Thr; replaces alanine 382 with threonine.
Molecular consequence: missense variant.
Genome position (GRCh38, 1-based): chr11:117,371,458, G>A. VCF-style: chr11-117371458-G-A. GRCh37 (hg19) VCF-style: chr11-117242174-G-A.
Other names: c.1144G>A, p.Ala382Thr (NM_001271933.2); short protein forms A382T.
Identifiers: ClinVar variation 846799 (VCV000846799.7), dbSNP rs780364658, ClinGen allele CA229391496.